The following is an entry in ClinVar:

NM_000388.4(CASR):c.1295A>C (p.Gln432Pro)

Gene: CASR (calcium sensing receptor; plus strand). Cytogenetic location: 3q21.1.
Variant type: single nucleotide variant.
Coding change: c.1295A>C on transcript NM_000388.4 (MANE Select); coding-DNA position 1295, A replaced by C.
Protein change: p.Gln432Pro; replaces glutamine 432 with proline.
Molecular consequence: missense variant.
Genome position (GRCh38, 1-based): chr3:122,262,330, A>C. VCF-style: chr3-122262330-A-C. GRCh37 (hg19) VCF-style: chr3-121981177-A-C.
Other names: c.1295A>C, p.Gln432Pro (NM_001178065.2); short protein forms Q432P.
Identifiers: ClinVar variation 3231494 (VCV003231494.1), dbSNP rs2473229003, ClinGen allele CA354153014.

ClinVar aggregate classification (germline): Uncertain significance (1 of 4 stars; one submission).

Conditions:
Nephrolithiasis/nephrocalcinosis. Identifiers: MedGen CN580796.

Submission:

Ambry Genetics
Classification: Uncertain significance for Nephrolithiasis/nephrocalcinosis. Last evaluated: 2023-10-22. Review status: criteria provided, single submitter. Criteria: Ambry Variant Classification Scheme 2023. Collection method: clinical testing. Allele origin: germline.
Comment: The p.Q432P variant (also known as c.1295A>C), located in coding exon 3 of the CASR gene, results from an A to C substitution at nucleotide position 1295. The glutamine at codon 432 is replaced by proline, an amino acid with similar properties. This amino acid position is conserved. In addition, this alteration is predicted to be deleterious by in silico analysis. Since supporting evidence is limited at this time, the clinical significance of this alteration remains unclear.